The following is an entry in ClinVar:

NM_017637.6(BNC2):c.1841C>G (p.Pro614Arg)

Genes: BNC2 (basonuclin zinc finger protein 2; minus strand), LOC126860585 (MED14-independent group 3 enhancer GRCh37_chr9:16435259-16436458; plus strand). Cytogenetic location: 9p22.3.
Variant type: single nucleotide variant.
Coding change: c.1841C>G on transcript NM_017637.6 (MANE Select); coding-DNA position 1841, C replaced by G.
Protein change: p.Pro614Arg; replaces proline 614 with arginine.
Molecular consequence: missense variant.
Genome position (GRCh38, 1-based): chr9:16,436,353, G>C on the plus strand (C>G on the coding strand, the complement: BNC2 is on the minus strand). VCF-style: chr9-16436353-G-C. GRCh37 (hg19) VCF-style: chr9-16436351-G-C.
Other names: c.1715C>G, p.Pro572Arg (NM_001317939.2); c.1556C>G, p.Pro519Arg (NM_001317940.2); short protein forms P572R, P614R, P519R.
Identifiers: ClinVar variation 4702342 (VCV004702342.1).
Genomic context (GRCh38, chr9:16,436,353, plus strand): 5'-CTGGGCTTTTTCTTGGGTGCCAGGTCAGCACTGGGCTCATGGGTGGCCATCATCACTGCT[G>C]GCACTACTGGCTCAGAGGGTGGCGGGGGGTGCTGCTCTATGGTACCACTGGTTGGAATGA-3'
Protein context (NP_060107.3, residues 604-624): HPPPPSEPVV[Pro614Arg]AVMMATHEPS

ClinVar aggregate classification (germline): Uncertain significance (1 of 4 stars; one submission).

Submission:

Labcorp Genetics (formerly Invitae), Labcorp
Classification: Uncertain significance. Last evaluated: 2026-02-01. Review status: criteria provided, single submitter. Criteria: Invitae Variant Classification Sherloc (09022015). Collection method: clinical testing. Allele origin: germline.
Comment: This sequence change replaces proline, which is neutral and non-polar, with arginine, which is basic and polar, at codon 614 of the BNC2 protein (p.Pro614Arg). This variant is not present in population databases (gnomAD no frequency). This variant has not been reported in the literature in individuals affected with BNC2-related conditions. An algorithm developed to predict the effect of missense changes on protein structure and function (PolyPhen-2) suggests that this variant is likely to be tolerated. In summary, the available evidence is currently insufficient to determine the role of this variant in disease. Therefore, it has been classified as a Variant of Uncertain Significance.